The following is an entry in ClinVar:

ClinVar aggregate classification (germline): Uncertain significance (1 of 4 stars; one submission).

Conditions:
Monocytopenia with susceptibility to infections. Also called: MONOCYTOPENIA AND MYCOBACTERIAL INFECTION SYNDROME; Dendritic cell, monocyte, B lymphocyte, and natural killer lymphocyte deficiency; MONOCYTOPENIA WITH SUSCEPTIBILITY TO MYCOBACTERIAL, FUNGAL, AND PAPILLOMAVIRUS INFECTIONS AND MYELODYSPLASIA; COMBINED IMMUNODEFICIENCY WITH SUSCEPTIBILITY TO MYCOBACTERIAL, VIRAL, AND FUNGAL INFECTIONS; IMMUNODEFICIENCY 21; GATA2 DEFICIENCY. Identifiers: Orphanet 228423, MedGen C3280030, MONDO:0013607, OMIM 614172.
Deafness-lymphedema-leukemia syndrome. Also called: Lymphedema, primary, with myelodysplasia; Emberger syndrome. Identifiers: Orphanet 3226, MedGen C3279664, MONDO:0013540, OMIM 614038.

Submission:

Labcorp Genetics (formerly Invitae), Labcorp
Classification: Uncertain significance for Monocytopenia with susceptibility to infections; Deafness-lymphedema-leukemia syndrome. Last evaluated: 2021-03-12. Review status: criteria provided, single submitter. Criteria: Invitae Variant Classification Sherloc (09022015). Collection method: clinical testing. Allele origin: germline.
Comment: This variant has not been reported in the literature in individuals with GATA2-related conditions. Advanced modeling of protein sequence and biophysical properties (such as structural, functional, and spatial information, amino acid conservation, physicochemical variation, residue mobility, and thermodynamic stability) performed at Invitae indicates that this missense variant is not expected to disrupt GATA2 protein function. In summary, the available evidence is currently insufficient to determine the role of this variant in disease. Therefore, it has been classified as a Variant of Uncertain Significance. This variant is not present in population databases (ExAC no frequency). This sequence change replaces glycine with arginine at codon 147 of the GATA2 protein (p.Gly147Arg). The glycine residue is weakly conserved and there is a moderate physicochemical difference between glycine and arginine.

NM_032638.5(GATA2):c.439G>A (p.Gly147Arg)

Gene: GATA2 (GATA binding protein 2; minus strand). Cytogenetic location: 3q21.3.
Variant type: single nucleotide variant.
Coding change: c.439G>A on transcript NM_032638.5 (MANE Select); coding-DNA position 439, G replaced by A.
Protein change: p.Gly147Arg; replaces glycine 147 with arginine.
Molecular consequence: missense variant.
Genome position (GRCh38, 1-based): chr3:128,486,159, C>T on the plus strand (G>A on the coding strand, the complement: GATA2 is on the minus strand). VCF-style: chr3-128486159-C-T. GRCh37 (hg19) VCF-style: chr3-128205002-C-T.
Other names: c.439G>A, p.Gly147Arg (NM_001145661.2, NM_001145662.1); short protein forms G147R.
Identifiers: ClinVar variation 1424857 (VCV001424857.8), dbSNP rs2107672652, ClinGen allele CA354406751.